The following is an entry in ClinVar:

NM_000350.3(ABCA4):c.4535C>T (p.Pro1512Leu)

Gene: ABCA4 (ATP binding cassette subfamily A member 4; minus strand). Cytogenetic location: 1p22.1.
Variant type: single nucleotide variant.
Coding change: c.4535C>T on transcript NM_000350.3 (MANE Select); coding-DNA position 4535, C replaced by T.
Protein change: p.Pro1512Leu; replaces proline 1512 with leucine.
Molecular consequence: missense variant.
Genome position (GRCh38, 1-based): chr1:94,029,449, G>A on the plus strand (C>T on the coding strand, the complement: ABCA4 is on the minus strand). VCF-style: chr1-94029449-G-A. GRCh37 (hg19) VCF-style: chr1-94495005-G-A.
Other names: c.4313C>T, p.Pro1438Leu (NM_001425324.1); short protein forms P1512L, P1438L.
Identifiers: ClinVar variation 1328500 (VCV001328500.5), dbSNP rs61750150, ClinGen allele CA957583.

ClinVar aggregate classification (germline): Uncertain significance. Review status: criteria provided, single submitter (1 of 4 stars). 3 submissions from 3 submitters: Uncertain significance (1). 2 of the submissions do not count toward it. Last evaluated 2021-12-07.

gnomAD v4.1: 9 of 1,550,904 alleles (0.00058%); highest among the groups gnomAD compares: Non-Finnish European, 0.00052%; no homozygotes.

Submissions (3):

Labcorp Genetics (formerly Invitae), Labcorp
Classification: Uncertain significance. Last evaluated: 2021-12-07. Review status: criteria provided, single submitter. Criteria: Invitae Variant Classification Sherloc (09022015). Collection method: clinical testing. Allele origin: germline.
Comment: This sequence change replaces proline, which is neutral and non-polar, with leucine, which is neutral and non-polar, at codon 1512 of the ABCA4 protein (p.Pro1512Leu). This variant is not present in population databases (gnomAD no frequency). This missense change has been observed in individual(s) with Stargardt disease (PMID: 22427542). Advanced modeling of protein sequence and biophysical properties (such as structural, functional, and spatial information, amino acid conservation, physicochemical variation, residue mobility, and thermodynamic stability) performed at Invitae indicates that this missense variant is expected to disrupt ABCA4 protein function. In summary, the available evidence is currently insufficient to determine the role of this variant in disease. Therefore, it has been classified as a Variant of Uncertain Significance.

Clinical Genetics DNA and cytogenetics Diagnostics Lab, Erasmus MC, Erasmus Medical Center
Classification: Uncertain significance. Review status: no assertion criteria provided. Collection method: clinical testing. Allele origin: germline. Affected: yes. Study: VKGL Data-share Consensus. Not counted in ClinVar's aggregate classification.

Joint Genome Diagnostic Labs from Nijmegen and Maastricht, Radboudumc and MUMC+
Classification: Uncertain significance. Review status: no assertion criteria provided. Collection method: clinical testing. Allele origin: germline. Affected: yes. Study: VKGL Data-share Consensus. Not counted in ClinVar's aggregate classification.

Literature cited by the submitters: PubMed 22427542 (cited by Labcorp Genetics (formerly Invitae), Labcorp).